The following is an entry in ClinVar:

NM_000122.2(ERCC3):c.430A>G (p.Ser144Gly)

Gene: ERCC3 (ERCC excision repair 3, TFIIH core complex helicase subunit; minus strand). Cytogenetic location: 2q14.3.
Variant type: single nucleotide variant.
Coding change: c.430A>G on transcript NM_000122.2 (MANE Select); coding-DNA position 430, A replaced by G.
Protein change: p.Ser144Gly; replaces serine 144 with glycine.
Molecular consequence: missense variant.
Genome position (GRCh38, 1-based): chr2:127,292,651, T>C on the plus strand (A>G on the coding strand, the complement: ERCC3 is on the minus strand). VCF-style: chr2-127292651-T-C. GRCh37 (hg19) VCF-style: chr2-128050227-T-C.
Other names: c.238A>G, p.Ser80Gly (NM_001303416.2, NM_001303418.2); short protein forms S144G, S80G.
Identifiers: ClinVar variation 1451018 (VCV001451018.6), dbSNP rs2104780927, ClinGen allele CA348391544.

ClinVar aggregate classification (germline): Uncertain significance (1 of 4 stars; one submission).

gnomAD v4.1: 9 of 1,613,314 alleles (0.00056%); highest among the groups gnomAD compares: Non-Finnish European, 0.00076%; no homozygotes.

Submission:

Labcorp Genetics (formerly Invitae), Labcorp
Classification: Uncertain significance. Last evaluated: 2022-06-20. Review status: criteria provided, single submitter. Criteria: Invitae Variant Classification Sherloc (09022015). Collection method: clinical testing. Allele origin: germline.
Comment: In summary, the available evidence is currently insufficient to determine the role of this variant in disease. Therefore, it has been classified as a Variant of Uncertain Significance. Algorithms developed to predict the effect of missense changes on protein structure and function are either unavailable or do not agree on the potential impact of this missense change (SIFT: "Deleterious"; PolyPhen-2: "Probably Damaging"; Align-GVGD: "Class C0"). This variant has not been reported in the literature in individuals affected with ERCC3-related conditions. This variant is not present in population databases (gnomAD no frequency). This sequence change replaces serine, which is neutral and polar, with glycine, which is neutral and non-polar, at codon 144 of the ERCC3 protein (p.Ser144Gly).